The following is an entry in ClinVar:

NM_001370658.1(BTD):c.449T>C (p.Val150Ala)

Gene: BTD (biotinidase; plus strand). Cytogenetic location: 3p25.1.
Variant type: single nucleotide variant.
Coding change: c.449T>C on transcript NM_001370658.1 (MANE Select); coding-DNA position 449, T replaced by C.
Protein change: p.Val150Ala; replaces valine 150 with alanine.
Molecular consequence: missense variant. On other transcripts: intron variant (6).
Genome position (GRCh38, 1-based): chr3:15,644,365, T>C. VCF-style: chr3-15644365-T-C. GRCh37 (hg19) VCF-style: chr3-15685872-T-C.
Other names: c.449T>C, p.Val150Ala (NM_001407376.1, NM_001407377.1, NM_001407378.1 and 18 more transcripts); c.399+2308T>C (NM_001370753.1, NM_001407400.1, NM_001407380.1 and 3 more transcripts); short protein forms V150A.
Identifiers: ClinVar variation 2970767 (VCV002970767.3), dbSNP rs2065629482, ClinGen allele CA351606246.

ClinVar aggregate classification (germline): Uncertain significance (1 of 4 stars; one submission).

Conditions:
Biotinidase deficiency. Also called: BTD deficiency; Late-onset biotin-responsive multiple carboxylase deficiency; Biotin deficiency. Identifiers: Orphanet 79241, MedGen C0220754, MONDO:0009665, OMIM 253260.

Allele frequency attached by ClinVar (database versions not stated): TOPMed below 0.00001.

Submission:

Labcorp Genetics (formerly Invitae), Labcorp
Classification: Uncertain significance for Biotinidase deficiency. Last evaluated: 2023-08-17. Review status: criteria provided, single submitter. Criteria: Invitae Variant Classification Sherloc (09022015). Collection method: clinical testing. Allele origin: germline.
Comment: This sequence change replaces valine, which is neutral and non-polar, with alanine, which is neutral and non-polar, at codon 170 of the BTD protein (p.Val170Ala). This variant is not present in population databases (gnomAD no frequency). This variant has not been reported in the literature in individuals affected with BTD-related conditions. Advanced modeling of protein sequence and biophysical properties (such as structural, functional, and spatial information, amino acid conservation, physicochemical variation, residue mobility, and thermodynamic stability) performed at Invitae indicates that this missense variant is expected to disrupt BTD protein function. In summary, the available evidence is currently insufficient to determine the role of this variant in disease. Therefore, it has been classified as a Variant of Uncertain Significance.